The following is an entry in ClinVar:

ClinVar aggregate classification (germline): Uncertain significance. Review status: criteria provided, multiple submitters, no conflicts (2 of 4 stars). 2 submissions from 2 submitters: Uncertain significance (2). Last evaluated 2023-07-06.

Conditions:
Combined oxidative phosphorylation defect type 27. Also called: Combined oxidative phosphorylation deficiency 27. Identifiers: Orphanet 477774, MedGen C5567608, MONDO:0014728, OMIM 616672.

Allele frequency attached by ClinVar (database versions not stated): TOPMed below 0.00001; gnomAD exomes 0.00001.
gnomAD v4.1: 14 of 1,613,798 alleles (0.00087%); highest among the groups gnomAD compares: Non-Finnish European, 0.0012%; no homozygotes.

Submissions (2):

Labcorp Genetics (formerly Invitae), Labcorp
Classification: Uncertain significance for Combined oxidative phosphorylation defect type 27. Last evaluated: 2023-07-06. Review status: criteria provided, single submitter. Criteria: Invitae Variant Classification Sherloc (09022015). Collection method: clinical testing. Allele origin: germline.
Comment: In summary, the available evidence is currently insufficient to determine the role of this variant in disease. Therefore, it has been classified as a Variant of Uncertain Significance. This sequence change replaces cysteine, which is neutral and slightly polar, with arginine, which is basic and polar, at codon 290 of the CARS2 protein (p.Cys290Arg). This variant is not present in population databases (gnomAD no frequency). This variant has not been reported in the literature in individuals affected with CARS2-related conditions. ClinVar contains an entry for this variant (Variation ID: 943195). Advanced modeling of protein sequence and biophysical properties (such as structural, functional, and spatial information, amino acid conservation, physicochemical variation, residue mobility, and thermodynamic stability) performed at Invitae indicates that this missense variant is expected to disrupt CARS2 protein function.

Fulgent Genetics
Classification: Uncertain significance for Combined oxidative phosphorylation defect type 27. Last evaluated: 2021-09-16. Review status: criteria provided, single submitter. Criteria: ACMG Guidelines, 2015. Collection method: clinical testing. Allele origin: unknown.

NM_024537.4(CARS2):c.868T>C (p.Cys290Arg)

Gene: CARS2 (cysteinyl-tRNA synthetase 2, mitochondrial; minus strand). Cytogenetic location: 13q34.
Variant type: single nucleotide variant.
Coding change: c.868T>C on transcript NM_024537.4 (MANE Select); coding-DNA position 868, T replaced by C.
Protein change: p.Cys290Arg; replaces cysteine 290 with arginine.
Molecular consequence: missense variant. On other transcripts: non-coding transcript variant (2).
Genome position (GRCh38, 1-based): chr13:110,667,391, A>G on the plus strand (T>C on the coding strand, the complement: CARS2 is on the minus strand). VCF-style: chr13-110667391-A-G. GRCh37 (hg19) VCF-style: chr13-111319738-A-G.
Other names: c.82T>C, p.Cys28Arg (NM_001352252.2); c.868T>C, p.Cys290Arg (NM_001352253.3); short protein forms C290R, C28R.
Identifiers: ClinVar variation 943195 (VCV000943195.10), dbSNP rs1240392926, ClinGen allele CA388750488.